The following is an entry in ClinVar:

ClinVar aggregate classification (germline): Uncertain significance. Review status: criteria provided, multiple submitters, no conflicts (2 of 4 stars). 2 submissions from 2 submitters: Uncertain significance (2). Last evaluated 2023-10-28.

Allele frequency attached by ClinVar (database versions not stated): TOPMed 0.00001; gnomAD 0.00003; gnomAD exomes 0.00003; 1000 Genomes Project 30x 0.00016.
gnomAD v4.1: 46 of 1,604,446 alleles (0.0029%); highest among the groups gnomAD compares: East Asian, 0.011%; no homozygotes.

Submissions (2):

Labcorp Genetics (formerly Invitae), Labcorp
Classification: Uncertain significance. Last evaluated: 2023-10-28. Review status: criteria provided, single submitter. Criteria: Invitae Variant Classification Sherloc (09022015). Collection method: clinical testing. Allele origin: germline.
Comment: This sequence change replaces proline, which is neutral and non-polar, with leucine, which is neutral and non-polar, at codon 783 of the NFATC1 protein (p.Pro783Leu). This variant is present in population databases (rs372954162, gnomAD 0.007%). This variant has not been reported in the literature in individuals affected with NFATC1-related conditions. ClinVar contains an entry for this variant (Variation ID: 2463342). An algorithm developed to predict the effect of missense changes on protein structure and function (PolyPhen-2) suggests that this variant is likely to be tolerated. In summary, the available evidence is currently insufficient to determine the role of this variant in disease. Therefore, it has been classified as a Variant of Uncertain Significance.

Ambry Genetics
Classification: Uncertain significance. Last evaluated: 2023-02-16. Review status: criteria provided, single submitter. Criteria: Ambry Variant Classification Scheme 2023. Collection method: clinical testing. Allele origin: germline.

NM_001278669.2(NFATC1):c.2348C>T (p.Pro783Leu)

Gene: NFATC1 (nuclear factor of activated T cells 1; plus strand). Cytogenetic location: 18q23.
Variant type: single nucleotide variant.
Coding change: c.2348C>T on transcript NM_001278669.2 (MANE Select); coding-DNA position 2348, C replaced by T.
Protein change: p.Pro783Leu; replaces proline 783 with leucine.
Molecular consequence: missense variant. On other transcripts: intron variant (2).
Genome position (GRCh38, 1-based): chr18:79,486,503, C>T. VCF-style: chr18-79486503-C-T. GRCh37 (hg19) VCF-style: chr18-77246503-C-T.
Other names: c.932C>T, p.Pro311Leu (NM_001278673.2, NM_172388.3); c.2348C>T, p.Pro783Leu (NM_006162.5); c.2309C>T, p.Pro770Leu (NM_172387.3, NM_172389.3); c.2092+18921C>T (NM_001278670.2); c.2053+18921C>T (NM_001278672.2); short protein forms P311L, P770L, P783L.
Identifiers: ClinVar variation 2463342 (VCV002463342.5), dbSNP rs372954162, ClinGen allele CA303754346.